The following is an entry in ClinVar:

NM_006767.4(LZTR1):c.677C>T (p.Pro226Leu)

Gene: LZTR1 (leucine zipper like post translational regulator 1; plus strand). Cytogenetic location: 22q11.21.
Variant type: single nucleotide variant.
Coding change: c.677C>T on transcript NM_006767.4 (MANE Select); coding-DNA position 677, C replaced by T.
Protein change: p.Pro226Leu; replaces proline 226 with leucine.
Molecular consequence: missense variant.
Genome position (GRCh38, 1-based): chr22:20,990,411, C>T. VCF-style: chr22-20990411-C-T. GRCh37 (hg19) VCF-style: chr22-21344700-C-T.
Other names: c.677C>T (NM_006767.3); short protein forms P226L.
Identifiers: ClinVar variation 1406808 (VCV001406808.8), dbSNP rs2147964011, ClinGen allele CA410780462.

ClinVar aggregate classification (germline): Conflicting classifications of pathogenicity. Review status: criteria provided, conflicting classifications (1 of 4 stars). 4 submissions from 4 submitters: Likely pathogenic (1); Uncertain significance (3). Last evaluated 2025-05-01.

Conditions:
Hereditary cancer-predisposing syndrome. Also called: Tumor predisposition; Hereditary neoplastic syndrome; Neoplastic Syndromes, Hereditary; Hereditary Cancer Syndrome. Identifiers: Orphanet 140162, MedGen C0027672, MeSH D009386, MONDO:0015356.
Cardiovascular phenotype. Identifiers: MedGen CN230736.
LZTR1-related disorder. Also called: LZTR1-related disorders; LZTR1-related condition.

Submissions (4):

Ambry Genetics
Classification: Uncertain significance for Cardiovascular phenotype; Hereditary cancer-predisposing syndrome. Last evaluated: 2025-05-01. Review status: criteria provided, single submitter. Criteria: Ambry Variant Classification Scheme 2023. Collection method: clinical testing. Allele origin: germline.
Comment: The p.P226L variant (also known as c.677C>T), located in coding exon 8 of the LZTR1 gene, results from a C to T substitution at nucleotide position 677. The proline at codon 226 is replaced by leucine, an amino acid with similar properties. This amino acid position is highly conserved in available vertebrate species. In addition, the in silico prediction for this alteration is inconclusive. Based on the available evidence, the clinical significance of this variant remains unclear.

Labcorp Genetics (formerly Invitae), Labcorp
Classification: Uncertain significance. Last evaluated: 2022-10-05. Review status: criteria provided, single submitter. Criteria: Invitae Variant Classification Sherloc (09022015). Collection method: clinical testing. Allele origin: germline.
Comment: This sequence change replaces proline, which is neutral and non-polar, with leucine, which is neutral and non-polar, at codon 226 of the LZTR1 protein (p.Pro226Leu). In summary, the available evidence is currently insufficient to determine the role of this variant in disease. Therefore, it has been classified as a Variant of Uncertain Significance. Advanced modeling of protein sequence and biophysical properties (such as structural, functional, and spatial information, amino acid conservation, physicochemical variation, residue mobility, and thermodynamic stability) performed at Invitae indicates that this missense variant is not expected to disrupt LZTR1 protein function. ClinVar contains an entry for this variant (Variation ID: 1406808). This variant has not been reported in the literature in individuals affected with LZTR1-related conditions. This variant is not present in population databases (gnomAD no frequency).

Blueprint Genetics
Classification: Uncertain significance. Last evaluated: 2022-06-29. Review status: criteria provided, single submitter. Criteria: ACMG Guidelines, 2015. Collection method: clinical testing. Allele origin: germline.

Rady Children's Institute for Genomic Medicine, Rady Children's Hospital San Diego
Classification: Likely pathogenic for LZTR1-Related Disorders. Review status: criteria provided, single submitter. Criteria: ACMG Guidelines, 2015. Collection method: clinical testing. Allele origin: germline. Affected: yes.
Comment: This variant has been previously reported as a heterozygous change in an individual with growth hormone deficiency (PMID: 34826401). It is absent from the gnomAD population database and thus presumed to be rare. The c.677C>T (p.Pro226Leu) variant affects a highly conserved amino acid and is predicted by multiple in silico tools to have a deleterious effect on protein function. Analysis of the parental samples was negative for the variant, indicating this variant likely occurred as a de novo event. Based on the available evidence, the c.677C>T (p.Pro226Leu) variant is classified as Likely Pathogenic.